The following is an entry in ClinVar:

ClinVar aggregate classification (germline): Uncertain significance. Review status: criteria provided, multiple submitters, no conflicts (2 of 4 stars). 2 submissions from 2 submitters: Uncertain significance (2). Last evaluated 2025-08-03.

Conditions:
Kabuki syndrome. Also called: NIIKAWA-KUROKI SYNDROME; Kabuki make-up syndrome. Identifiers: Orphanet 2322, MedGen C0796004, MONDO:0016512.
Inborn genetic diseases. Identifiers: MedGen C0950123, MeSH D030342.

Submissions (2):

Ambry Genetics
Classification: Uncertain significance for Inborn genetic diseases. Last evaluated: 2025-08-03. Review status: criteria provided, single submitter. Criteria: Ambry Variant Classification Scheme 2023. Collection method: clinical testing. Allele origin: germline.

Labcorp Genetics (formerly Invitae), Labcorp
Classification: Uncertain significance for Kabuki syndrome. Last evaluated: 2025-04-17. Review status: criteria provided, single submitter. Criteria: Invitae Variant Classification Sherloc (09022015). Collection method: clinical testing. Allele origin: germline.
Comment: This sequence change replaces proline, which is neutral and non-polar, with serine, which is neutral and polar, at codon 885 of the KMT2D protein (p.Pro885Ser). This variant is not present in population databases (gnomAD no frequency). This variant has not been reported in the literature in individuals affected with KMT2D-related conditions. Invitae Evidence Modeling of protein sequence and biophysical properties (such as structural, functional, and spatial information, amino acid conservation, physicochemical variation, residue mobility, and thermodynamic stability) indicates that this missense variant is not expected to disrupt KMT2D protein function with a negative predictive value of 95%. In summary, the available evidence is currently insufficient to determine the role of this variant in disease. Therefore, it has been classified as a Variant of Uncertain Significance.

NM_003482.4(KMT2D):c.2653C>T (p.Pro885Ser)

Gene: KMT2D (lysine methyltransferase 2D; minus strand). Cytogenetic location: 12q13.12.
Variant type: single nucleotide variant.
Coding change: c.2653C>T on transcript NM_003482.4 (MANE Select); coding-DNA position 2653, C replaced by T.
Protein change: p.Pro885Ser; replaces proline 885 with serine.
Molecular consequence: missense variant.
Genome position (GRCh38, 1-based): chr12:49,051,030, G>A on the plus strand (C>T on the coding strand, the complement: KMT2D is on the minus strand). VCF-style: chr12-49051030-G-A. GRCh37 (hg19) VCF-style: chr12-49444813-G-A.
Other names: short protein forms P885S.
Identifiers: ClinVar variation 4094339 (VCV004094339.2).
Genomic context (GRCh38, chr12:49,051,030, plus strand): 5'-CCCCAGGCTCAGACAGGGCTGGCTCTCCAAGCAAGGGAGATAAGGATGGTTCCCCAGGGG[G>A]AGGGAACAAGGGCAGCTCCTCAGGTGCAGGGCATTGGCCTGGCTCCTCAGGGGGCTTTTC-3'
Protein context (NP_003473.3, residues 875-895): PAPEELPLFP[Pro885Ser]PGEPSLSPLL